The following is an entry in ClinVar:

NM_033310.3(KCNK4):c.948G>T (p.Arg316Ser)

Genes: KCNK4-CATSPERZ (KCNK4-CATSPERZ readthrough (NMD candidate); plus strand), KCNK4 (potassium two pore domain channel subfamily K member 4; plus strand). Cytogenetic location: 11q13.1.
Variant type: single nucleotide variant.
Coding change: c.948G>T on transcript NM_033310.3 (MANE Select); coding-DNA position 948, G replaced by T.
Protein change: p.Arg316Ser; replaces arginine 316 with serine.
Molecular consequence: missense variant. On other transcripts: non-coding transcript variant (3).
Genome position (GRCh38, 1-based): chr11:64,299,492, G>T. VCF-style: chr11-64299492-G-T. GRCh37 (hg19) VCF-style: chr11-64066964-G-T.
Other names: c.948G>T (NM_033310.2); c.948G>T, p.Arg316Ser (NM_001317090.2, NM_033311.1); short protein forms R316S.
Identifiers: ClinVar variation 2836785 (VCV002836785.4), dbSNP rs773170113, ClinGen allele CA381068068.

ClinVar aggregate classification (germline): Uncertain significance. Review status: criteria provided, multiple submitters, no conflicts (2 of 4 stars). 2 submissions from 2 submitters: Uncertain significance (2). Last evaluated 2025-10-28.

gnomAD v4.1: 19 of 1,607,528 alleles (0.0012%); highest among the groups gnomAD compares: Non-Finnish European, 0.0016%; no homozygotes.

Submissions (2):

Ambry Genetics
Classification: Uncertain significance. Last evaluated: 2025-10-28. Review status: criteria provided, single submitter. Criteria: Ambry Variant Classification Scheme 2023. Collection method: clinical testing. Allele origin: germline.

Labcorp Genetics (formerly Invitae), Labcorp
Classification: Uncertain significance. Last evaluated: 2023-02-15. Review status: criteria provided, single submitter. Criteria: Invitae Variant Classification Sherloc (09022015). Collection method: clinical testing. Allele origin: germline.
Comment: This sequence change replaces arginine, which is basic and polar, with serine, which is neutral and polar, at codon 316 of the KCNK4 protein (p.Arg316Ser). The frequency data for this variant in the population databases is considered unreliable, as metrics indicate poor data quality at this position in the gnomAD database. This variant has not been reported in the literature in individuals affected with KCNK4-related conditions. An algorithm developed to predict the effect of missense changes on protein structure and function (PolyPhen-2) suggests that this variant is likely to be tolerated. In summary, the available evidence is currently insufficient to determine the role of this variant in disease. Therefore, it has been classified as a Variant of Uncertain Significance.